The following is an entry in ClinVar:

NM_004408.4(DNM1):c.267G>T (p.Lys89Asn)

Genes: DNM1 (dynamin 1; plus strand), LOC113839516 (Sharpr-MPRA regulatory region 8497; plus strand). Cytogenetic location: 9q34.11.
Variant type: single nucleotide variant.
Coding change: c.267G>T on transcript NM_004408.4 (MANE Select); coding-DNA position 267, G replaced by T.
Protein change: p.Lys89Asn; replaces lysine 89 with asparagine.
Molecular consequence: missense variant.
Genome position (GRCh38, 1-based): chr9:128,218,613, G>T. VCF-style: chr9-128218613-G-T. GRCh37 (hg19) VCF-style: chr9-130980892-G-T.
Other names: c.267G>T, p.Lys89Asn (NM_001005336.3, NM_001288737.2, NM_001288738.2 and 2 more transcripts); short protein forms K89N.
Identifiers: ClinVar variation 1412439 (VCV001412439.6), dbSNP rs1229779896, ClinGen allele CA375010502.

ClinVar aggregate classification (germline): Uncertain significance (1 of 4 stars; one submission).

Conditions:
Developmental and epileptic encephalopathy, 31A. Also called: Epileptic encephalopathy, early infantile, 31; Developmental and epileptic encephalopathy, 31. Identifiers: Orphanet 2382, MedGen C4225357, MONDO:0014598, OMIM 616346.

Allele frequency attached by ClinVar (database versions not stated): gnomAD exomes below 0.00001; gnomAD 0.00001; TOPMed 0.00002.
gnomAD v4.1: 4 of 1,613,468 alleles (0.00025%); highest among the groups gnomAD compares: African/African-American, 0.0027%; no homozygotes.

Submission:

Labcorp Genetics (formerly Invitae), Labcorp
Classification: Uncertain significance for Developmental and epileptic encephalopathy, 31A. Last evaluated: 2023-06-27. Review status: criteria provided, single submitter. Criteria: Invitae Variant Classification Sherloc (09022015). Collection method: clinical testing. Allele origin: germline.
Comment: In summary, the available evidence is currently insufficient to determine the role of this variant in disease. Therefore, it has been classified as a Variant of Uncertain Significance. Advanced modeling of protein sequence and biophysical properties (such as structural, functional, and spatial information, amino acid conservation, physicochemical variation, residue mobility, and thermodynamic stability) performed at Invitae indicates that this missense variant is not expected to disrupt DNM1 protein function. ClinVar contains an entry for this variant (Variation ID: 1412439). This variant has not been reported in the literature in individuals affected with DNM1-related conditions. This variant is present in population databases (no rsID available, gnomAD 0.0009%). This sequence change replaces lysine, which is basic and polar, with asparagine, which is neutral and polar, at codon 89 of the DNM1 protein (p.Lys89Asn).